The following is an entry in ClinVar:

NM_000384.3(APOB):c.3842+2T>C

Gene: APOB (apolipoprotein B; minus strand). Cytogenetic location: 2p24.1.
Variant type: single nucleotide variant.
Coding change: c.3842+2T>C on transcript NM_000384.3 (MANE Select); the canonical splice donor site of the intron after coding-DNA position 3842, T replaced by C.
Molecular consequence: splice donor variant.
Genome position (GRCh38, 1-based): chr2:21,014,446, A>G on the plus strand (T>C on the coding strand, the complement: APOB is on the minus strand). VCF-style: chr2-21014446-A-G. GRCh37 (hg19) VCF-style: chr2-21237318-A-G.
Identifiers: ClinVar variation 4783531 (VCV004783531.1), dbSNP rs2103361861.
Genomic context (GRCh38, chr2:21,014,446, plus strand): 5'-CTATGTAAAATCTTTCATTTACTTTGCATGGTTCAAGAAGCCTTGCTGCTTTCTTCTTTT[A>G]CCTTTTTAAGAAGAGGTTTTCTGGGATGTGGAAGTCTGGCAATCCCATGTTCTGGAGGTT-3'

ClinVar aggregate classification (germline): Likely pathogenic (1 of 4 stars; one submission).

Conditions:
Familial hypobetalipoproteinemia 1. Also called: APOB-Related Familial Hypobetalipoproteinemia; Hypobetalipoproteinemia, normotriglyceridemic; Acanthocytosis with hypobetalipoproteinemia. Identifiers: MedGen C4551990, MONDO:0014252, OMIM 615558.
Hypercholesterolemia, autosomal dominant, type B (FHCL2). Also called: APOB-Related Familial Hypercholesterolemia, Autosomal Dominant; Familial hypercholesterolemia 2; Familial Hypercholesterolemia Type B; APOLIPOPROTEIN B-100, FAMILIAL DEFECTIVE; APOLIPOPROTEIN B-100, FAMILIAL LIGAND-DEFECTIVE; HYPERCHOLESTEROLEMIA, FAMILIAL, DUE TO LIGAND-DEFECTIVE APOLIPOPROTEIN B. Identifiers: MedGen C1704417, MONDO:0007751, OMIM 144010.

gnomAD v4.1: 1 of 1,614,054 alleles (0.000062%); highest among the groups gnomAD compares: Non-Finnish European, 0.000085%; no homozygotes.

Submission:

Labcorp Genetics (formerly Invitae), Labcorp
Classification: Likely pathogenic for Familial hypobetalipoproteinemia 1; Hypercholesterolemia, autosomal dominant, type B. Last evaluated: 2025-10-09. Review status: criteria provided, single submitter. Criteria: Invitae Variant Classification Sherloc (09022015). Collection method: clinical testing. Allele origin: germline.
Comment: This sequence change affects a donor splice site in intron 24 of the APOB gene. It is expected to disrupt RNA splicing. Variants that disrupt the donor or acceptor splice site typically lead to a loss of protein function (PMID: 16199547), and loss-of-function variants in APOB are known to be pathogenic (PMID: 20032471). This variant is not present in population databases (gnomAD no frequency). Disruption of this splice site has been observed in individual(s) with hypobetalipoproteinemia (PMID: 8014581). Algorithms developed to predict the effect of sequence changes on RNA splicing suggest that this variant may disrupt the consensus splice site. In summary, the currently available evidence indicates that the variant is pathogenic, but additional data are needed to prove that conclusively. Therefore, this variant has been classified as Likely Pathogenic.

Literature cited by the submitters: PubMed 16199547; PubMed 20032471; PubMed 8014581.